The following is an entry in ClinVar:

NM_000541.5(SAG):c.991T>A (p.Tyr331Asn)

Gene: SAG (S-antigen visual arrestin; plus strand). Cytogenetic location: 2q37.1.
Variant type: single nucleotide variant.
Coding change: c.991T>A on transcript NM_000541.5 (MANE Select); coding-DNA position 991, T replaced by A.
Protein change: p.Tyr331Asn; replaces tyrosine 331 with asparagine.
Molecular consequence: missense variant.
Genome position (GRCh38, 1-based): chr2:233,338,722, T>A. VCF-style: chr2-233338722-T-A. GRCh37 (hg19) VCF-style: chr2-234247368-T-A.
Other names: short protein forms Y331N.
Identifiers: ClinVar variation 1043941 (VCV001043941.8), dbSNP rs1559452593, ClinGen allele CA351048949.
Genomic context (GRCh38, chr2:233,338,722, plus strand): 5'-TTCTGTTTGGGCAGCATTAAGGAGGGCATAGACCGGACCGTCCTGGGAATCCTGGTGTCT[T>A]ACCAGATCAAGGTGAAGCTCACAGTGTCAGGGTAAGTGTCCCGGCACCAACCCTCGGGCT-3'
Protein context (NP_000532.2, residues 321-341): DRTVLGILVS[Tyr331Asn]QIKVKLTVSG

ClinVar aggregate classification (germline): Uncertain significance (1 of 4 stars; one submission).

Allele frequency attached by ClinVar (database versions not stated): gnomAD exomes below 0.00001 and 0.00001.
gnomAD v4.1: 9 of 1,613,978 alleles (0.00056%); highest among the groups gnomAD compares: Non-Finnish European, 0.00076%; no homozygotes.

Submission:

Labcorp Genetics (formerly Invitae), Labcorp
Classification: Uncertain significance. Last evaluated: 2025-12-27. Review status: criteria provided, single submitter. Criteria: Invitae Variant Classification Sherloc (09022015). Collection method: clinical testing. Allele origin: germline.
Comment: This sequence change replaces tyrosine, which is neutral and polar, with asparagine, which is neutral and polar, at codon 331 of the SAG protein (p.Tyr331Asn). This variant is not present in population databases (gnomAD no frequency). This missense change has been observed in individual(s) with clinical features of SAG-related conditions (internal data). ClinVar contains an entry for this variant (Variation ID: 1043941). Invitae Evidence Modeling of protein sequence and biophysical properties (such as structural, functional, and spatial information, amino acid conservation, physicochemical variation, residue mobility, and thermodynamic stability) indicates that this missense variant is expected to disrupt SAG protein function with a positive predictive value of 80%. In summary, the available evidence is currently insufficient to determine the role of this variant in disease. Therefore, it has been classified as a Variant of Uncertain Significance.